The following is an entry in ClinVar:

ClinVar aggregate classification (germline): Pathogenic (1 of 4 stars; one submission).

Submission:

Labcorp Genetics (formerly Invitae), Labcorp
Classification: Pathogenic. Last evaluated: 2024-02-01. Review status: criteria provided, single submitter. Criteria: Invitae Variant Classification Sherloc (09022015). Collection method: clinical testing. Allele origin: germline.
Comment: This sequence change creates a premature translational stop signal (p.Asp412Leufs*2) in the TYRP1 gene. It is expected to result in an absent or disrupted protein product. Loss-of-function variants in TYRP1 are known to be pathogenic (PMID: 8651291, 9345097). This variant is present in population databases (rs755443485, gnomAD 0.03%). This variant has not been reported in the literature in individuals affected with TYRP1-related conditions. For these reasons, this variant has been classified as Pathogenic.

Literature cited by the submitters: PubMed 8651291; PubMed 9345097.

NM_000550.3(TYRP1):c.1230_1233dup (p.Asp412delinsLeuTer)

Genes: LURAP1L-AS1 (LURAP1L antisense RNA 1; minus strand), TYRP1 (tyrosinase related protein 1; plus strand). Cytogenetic location: 9p23.
Variant type: Duplication.
Coding change: c.1230_1233dup on transcript NM_000550.3 (MANE Select); coding-DNA positions 1230 to 1233, 4 bases duplicated (CTTT; older notation c.1230_1233dupCTTT).
Protein change: p.Asp412delinsLeuTer.
Molecular consequence: nonsense.
Genome position (GRCh38, 1-based): chr9:12,704,674-12,704,677, CTTT duplicated; duplicating any 4 consecutive bases within chr9:12,704,673-12,704,677 gives the same sequence; the c. name uses the placement nearest the transcript's 3' end. VCF-style (leftmost placement, unchanged base first): chr9-12704672-G-GTCTT. GRCh37 (hg19) VCF-style: chr9-12704672-G-GTCTT.
Identifiers: ClinVar variation 3002092 (VCV003002092.3), dbSNP rs755443485, ClinGen allele CA4985478.
Genomic context (GRCh38, chr9:12,704,672, plus strand): 5'-CAAACCCATTTGTCTCCAAATGATCCTATTTTTGTCCTCCTGCACACCTTCACAGATGCA[G>GTCTT]TCTTTGATGAATGGCTGAGGAGATACAATGCTGGTAAGACATTTTCATATGCCTTTTGCA-3'